The following is an entry in ClinVar:

NM_000273.3(GPR143):c.874T>G (p.Trp292Gly)

Gene: GPR143 (G protein-coupled receptor 143; minus strand). Cytogenetic location: Xp22.2.
Variant type: single nucleotide variant.
Coding change: c.874T>G on transcript NM_000273.3 (MANE Select); coding-DNA position 874, T replaced by G.
Protein change: p.Trp292Gly; replaces tryptophan 292 with glycine.
Molecular consequence: missense variant.
Genome position (GRCh38, 1-based): chrX:9,741,349, A>C on the plus strand (T>G on the coding strand, the complement: GPR143 is on the minus strand). VCF-style: chrX-9741349-A-C. GRCh37 (hg19) VCF-style: chrX-9709389-A-C.
Other names: short protein forms W292G.
Identifiers: ClinVar variation 98647 (VCV000098647.8), dbSNP rs62635045, ClinGen allele CA226201.

ClinVar aggregate classification (germline): Pathogenic. Review status: criteria provided, multiple submitters, no conflicts (2 of 4 stars). 5 submissions from 5 submitters: Pathogenic (3). 2 of the submissions do not count toward it. Last evaluated 2025-08-03.

Conditions:
Albinism. Identifiers: MedGen C0001916, MONDO:0043209, HP:0001022.
GPR143-related foveal hypoplasia. Identifiers: MedGen CN375905, MONDO:0700230.
GPR143-related disorders.

Allele frequency attached by ClinVar (database versions not stated): gnomAD exomes below 0.00001.
gnomAD v4.1: 3 of 921,295 alleles (0.00033%); highest among the groups gnomAD compares: Non-Finnish European, 0.00047%; no homozygotes.

Submissions (5):

Labcorp Genetics (formerly Invitae), Labcorp
Classification: Pathogenic. Last evaluated: 2025-08-03. Review status: criteria provided, single submitter. Criteria: Invitae Variant Classification Sherloc (09022015). Collection method: clinical testing. Allele origin: germline.
Comment: This sequence change replaces tryptophan, which is neutral and slightly polar, with glycine, which is neutral and non-polar, at codon 292 of the GPR143 protein (p.Trp292Gly). This variant is not present in population databases (gnomAD no frequency). This missense change has been observed in individuals with GPR143-related conditions (PMID: 8634705, 28041643, 32581362). ClinVar contains an entry for this variant (Variation ID: 98647). Invitae Evidence Modeling of protein sequence and biophysical properties (such as structural, functional, and spatial information, amino acid conservation, physicochemical variation, residue mobility, and thermodynamic stability) indicates that this missense variant is expected to disrupt GPR143 protein function with a positive predictive value of 95%. Experimental studies have shown that this missense change affects GPR143 function (PMID: 11115845). This variant disrupts the p.Trp292 amino acid residue in GPR143. Other variant(s) that disrupt this residue have been observed in individuals with GPR143-related conditions (PMID: 11214907, 26785811), which suggests that this may be a clinically significant amino acid residue. For these reasons, this variant has been classified as Pathogenic.

Victorian Clinical Genetics Services, Murdoch Childrens Research Institute
Classification: Pathogenic for GPR143-related foveal hypoplasia. Last evaluated: 2025-05-08. Review status: criteria provided, single submitter. Criteria: ACMG Guidelines, 2015. Collection method: clinical testing. Allele origin: germline.
Comment: This variant is classified as Pathogenic. Evidence in support of pathogenic classification: Variant is present in gnomAD <0.01 for a recessive condition (v4: 2 heterozygote(s), 0 homozygote(s), 1 hemizygote(s)) ; This variant has strong previous evidence of pathogenicity in unrelated individuals. This variant has been reported in multiple individuals with ocular albinism (PMIDs: 32830442, 28041643, 8634705). It has also been reported as pathogenic by a clinical laboratory in ClinVar. - This variant has moderate functional evidence supporting abnormal protein function. Mutant constructs transfected into COS7 cells resulted in defective glycosylation and protein retention in the ER (PMID: 11115845). In addition, PC12 cells harbouring the mutant construct failed to inhibit neurite outgrowth compared to the WT (PMID: 31606330); Another missense variant comparable to the one identified in this case has moderate previous evidence for pathogenicity. The alternative change to a cystine has also been reported as likely pathogenic in ClinVar and also in an individual with ocular albinism (PMID: 11214907); Missense variant predicted to be damaging by in silico tool(s) or highly conserved with a major amino acid change. Additional information: Variant is predicted to result in a missense amino acid change from tryptophan to glycine; This variant is heterozygous; This gene is associated with X-linked recessive disease; No published segregation evidence has been identified for this variant; Variant is not located in an established domain, motif, hotspot or informative constraint region; Loss of function is a known mechanism of disease in this gene and is associated with GPR143-related foveal hypoplasia (MONDO:0700230).

Blueprint Genetics
Classification: Pathogenic for GPR143-related disorders. Last evaluated: 2024-11-08. Review status: criteria provided, single submitter. Criteria: ACMG Guidelines, 2015. Collection method: clinical testing. Allele origin: germline. Affected: yes. Observed: 1 variant allele.

NIHR Bioresource Rare Diseases, University of Cambridge
Classification: Likely pathogenic for Albinism. Last evaluated: 2015-01-01. Review status: no assertion criteria provided. Collection method: research. Allele origin: unknown. Affected: yes. Observed: 1 variant allele. Not counted in ClinVar's aggregate classification.

Retina International
No classification provided. Review status: no classification provided. Collection method: not provided. Allele origin: not provided. Not counted in ClinVar's aggregate classification.

Literature cited by the submitters: PubMed 8634705 (cited by 3 submitters); PubMed 28041643 (cited by 3 submitters); PubMed 32581362 (cited by Labcorp Genetics (formerly Invitae), Labcorp); PubMed 11115845 (cited by Labcorp Genetics (formerly Invitae), Labcorp and Victorian Clinical Genetics Services, Murdoch Childrens Research Institute); PubMed 11214907 (cited by Labcorp Genetics (formerly Invitae), Labcorp and Victorian Clinical Genetics Services, Murdoch Childrens Research Institute); PubMed 26785811 (cited by Labcorp Genetics (formerly Invitae), Labcorp and Victorian Clinical Genetics Services, Murdoch Childrens Research Institute); PubMed 32830442 (cited by Victorian Clinical Genetics Services, Murdoch Childrens Research Institute); PubMed 31606330 (cited by Victorian Clinical Genetics Services, Murdoch Childrens Research Institute).